The following is an entry in ClinVar:

ClinVar aggregate classification (germline): Uncertain significance (1 of 4 stars; one submission).

Allele frequency attached by ClinVar (database versions not stated): gnomAD exomes below 0.00001; TOPMed below 0.00001; ExAC 0.00001; gnomAD 0.00001.
gnomAD v4.1: 1 of 1,613,550 alleles (0.000062%); highest among the groups gnomAD compares: Non-Finnish European, 0.000085%; no homozygotes.

Submission:

Labcorp Genetics (formerly Invitae), Labcorp
Classification: Uncertain significance. Last evaluated: 2025-12-03. Review status: criteria provided, single submitter. Criteria: Invitae Variant Classification Sherloc (09022015). Collection method: clinical testing. Allele origin: germline.
Comment: This sequence change falls in intron 15 of the DNM1L gene. It does not directly change the encoded amino acid sequence of the DNM1L protein. It affects a nucleotide within the consensus splice site. This variant is present in population databases (rs749151588, gnomAD 0.0009%). This variant has not been reported in the literature in individuals affected with DNM1L-related conditions. ClinVar contains an entry for this variant (Variation ID: 1485505). Variants that disrupt the consensus splice site are a relatively common cause of aberrant splicing (PMID: 17576681, 9536098). Algorithms developed to predict the effect of sequence changes on RNA splicing suggest that this variant may disrupt the consensus splice site. In summary, the available evidence is currently insufficient to determine the role of this variant in disease. Therefore, it has been classified as a Variant of Uncertain Significance.

Literature cited by the submitters: PubMed 17576681; PubMed 9536098.

NM_012062.5(DNM1L):c.1674+6T>C

Gene: DNM1L (dynamin 1 like; plus strand). Cytogenetic location: 12p11.21.
Variant type: single nucleotide variant.
Coding change: c.1674+6T>C on transcript NM_012062.5 (MANE Select); 6 bases into the intron after coding-DNA position 1674, T replaced by C.
Molecular consequence: intron variant.
Genome position (GRCh38, 1-based): chr12:32,737,948, T>C. VCF-style: chr12-32737948-T-C. GRCh37 (hg19) VCF-style: chr12-32890882-T-C.
Other names: c.1713+6T>C (NM_001278464.2, NM_001278465.2); c.1635+787T>C (NM_001330380.2); c.1065+6T>C (NM_001278466.2); c.1674+6T>C (NM_001278463.2); c.1597-316T>C (NM_012063.4); c.1596+787T>C (NM_005690.5).
Identifiers: ClinVar variation 1485505 (VCV001485505.6), dbSNP rs749151588, ClinGen allele CA6507641.